The following is an entry in ClinVar:

ClinVar aggregate classification (germline): Likely pathogenic (1 of 4 stars; one submission).

Conditions:
Autosomal dominant familial hematuria-retinal arteriolar tortuosity-contractures syndrome. Also called: Angiopathy, hereditary, with nephropathy, aneurysms, and muscle cramps; Hereditary Angiopathy with Nephropathy, Aneurysms, and Muscle Cramps (HANAC) Syndrome. Identifiers: Orphanet 73229, MedGen C2673195, MONDO:0012726, OMIM 611773.

Submission:

Institute of Human Genetics, University of Leipzig Medical Center
Classification: Likely pathogenic for Autosomal dominant familial hematuria-retinal arteriolar tortuosity-contractures syndrome. Last evaluated: 2023-05-30. Review status: criteria provided, single submitter. Criteria: ACMG Guidelines, 2015. Collection method: clinical testing. Allele origin: unknown. Inheritance: Autosomal dominant inheritance. Affected: yes.
Comment: Criteria applied: PM1_STR,PM2_SUP,PP3

NM_001845.6(COL4A1):c.1573G>A (p.Gly525Arg)

Gene: COL4A1 (collagen type IV alpha 1 chain; minus strand). Cytogenetic location: 13q34.
Variant type: single nucleotide variant.
Coding change: c.1573G>A on transcript NM_001845.6 (MANE Select); coding-DNA position 1573, G replaced by A.
Protein change: p.Gly525Arg; replaces glycine 525 with arginine.
Molecular consequence: missense variant.
Genome position (GRCh38, 1-based): chr13:110,187,293, C>T on the plus strand (G>A on the coding strand, the complement: COL4A1 is on the minus strand). VCF-style: chr13-110187293-C-T. GRCh37 (hg19) VCF-style: chr13-110839640-C-T.
Other names: short protein forms G525R.
Identifiers: ClinVar variation 2576606 (VCV002576606.2), dbSNP rs2501800882, ClinGen allele CA388723171.